The following is an entry in ClinVar:

NM_001384474.1(LOXHD1):c.1070C>G (p.Pro357Arg)

Gene: LOXHD1 (lipoxygenase homology PLAT domains 1; minus strand). Cytogenetic location: 18q21.1.
Variant type: single nucleotide variant.
Coding change: c.1070C>G on transcript NM_001384474.1 (MANE Select); coding-DNA position 1070, C replaced by G.
Protein change: p.Pro357Arg; replaces proline 357 with arginine.
Molecular consequence: missense variant.
Genome position (GRCh38, 1-based): chr18:46,601,281, G>C on the plus strand (C>G on the coding strand, the complement: LOXHD1 is on the minus strand). VCF-style: chr18-46601281-G-C. GRCh37 (hg19) VCF-style: chr18-44181244-G-C.
Other names: c.1070C>G, p.Pro357Arg (NM_144612.7); short protein forms P357R.
Identifiers: ClinVar variation 1478043 (VCV001478043.3), dbSNP rs1304763696, ClinGen allele CA402381593.

ClinVar aggregate classification (germline): Uncertain significance (1 of 4 stars; one submission).

Allele frequency attached by ClinVar (database versions not stated): gnomAD exomes below 0.00001; TOPMed below 0.00001.
gnomAD v4.1: 2 of 1,551,680 alleles (0.00013%); highest among the groups gnomAD compares: Admixed American, 0.0039%; no homozygotes.

Submission:

Labcorp Genetics (formerly Invitae), Labcorp
Classification: Uncertain significance. Last evaluated: 2021-11-22. Review status: criteria provided, single submitter. Criteria: Invitae Variant Classification Sherloc (09022015). Collection method: clinical testing. Allele origin: germline.
Comment: This sequence change replaces proline, which is neutral and non-polar, with arginine, which is basic and polar, at codon 357 of the LOXHD1 protein (p.Pro357Arg). This variant is not present in population databases (gnomAD no frequency). This variant has not been reported in the literature in individuals affected with LOXHD1-related conditions. Algorithms developed to predict the effect of missense changes on protein structure and function are either unavailable or do not agree on the potential impact of this missense change (SIFT: "Deleterious"; PolyPhen-2: "Benign"; Align-GVGD: "Class C0"). In summary, the available evidence is currently insufficient to determine the role of this variant in disease. Therefore, it has been classified as a Variant of Uncertain Significance.